The following is an entry in ClinVar:

ClinVar aggregate classification (germline): Uncertain significance (1 of 4 stars; one submission).

Conditions:
Cardiovascular phenotype. Identifiers: MedGen CN230736.

Submission:

Ambry Genetics
Classification: Uncertain significance for Cardiovascular phenotype. Last evaluated: 2024-10-04. Review status: criteria provided, single submitter. Criteria: Ambry Variant Classification Scheme 2023. Collection method: clinical testing. Allele origin: germline.
Comment: The p.S416I variant (also known as c.1247G>T), located in coding exon 8 of the LPL gene, results from a G to T substitution at nucleotide position 1247. The serine at codon 416 is replaced by isoleucine, an amino acid with dissimilar properties. This amino acid position is conserved. In addition, the in silico prediction for this alteration is inconclusive. Based on the available evidence, the clinical significance of this variant remains unclear.

NM_000237.3(LPL):c.1247G>T (p.Ser416Ile)

Gene: LPL (lipoprotein lipase; plus strand). Cytogenetic location: 8p21.3.
Variant type: single nucleotide variant.
Coding change: c.1247G>T on transcript NM_000237.3 (MANE Select); coding-DNA position 1247, G replaced by T.
Protein change: p.Ser416Ile; replaces serine 416 with isoleucine.
Molecular consequence: missense variant.
Genome position (GRCh38, 1-based): chr8:19,961,008, G>T. VCF-style: chr8-19961008-G-T. GRCh37 (hg19) VCF-style: chr8-19818519-G-T.
Other names: short protein forms S416I.
Identifiers: ClinVar variation 3539217 (VCV003539217.1).